The following is an entry in ClinVar:

ClinVar aggregate classification (germline): Uncertain significance. Review status: criteria provided, multiple submitters, no conflicts (2 of 4 stars). 4 submissions from 4 submitters: Uncertain significance (4). Last evaluated 2025-07-27.

Conditions:
Hypertrophic cardiomyopathy 26. Also called: Cardiomyopathy, familial hypertrophic, 26. Identifiers: Orphanet 75249, MedGen C4310749, MONDO:0014883, OMIM 617047.
Myofibrillar myopathy 5. Also called: FILAMINOPATHY, AUTOSOMAL DOMINANT; Filaminopathy (type). Identifiers: Orphanet 171445, MedGen C1836050, MONDO:0012289, OMIM 609524.
Distal myopathy with posterior leg and anterior hand involvement. Also called: WILLIAMS DISTAL MYOPATHY. Identifiers: Orphanet 63273, MedGen C3279722, MONDO:0013550, OMIM 614065.
Cardiovascular phenotype. Identifiers: MedGen CN230736.

Allele frequency attached by ClinVar (database versions not stated): gnomAD exomes below 0.00001; gnomAD 0.00002; TOPMed 0.00002.
gnomAD v4.1: 22 of 1,613,752 alleles (0.0014%); highest among the groups gnomAD compares: African/African-American, 0.0027%; no homozygotes.

Submissions (4):

Labcorp Genetics (formerly Invitae), Labcorp
Classification: Uncertain significance for Distal myopathy with posterior leg and anterior hand involvement; Myofibrillar myopathy 5; Hypertrophic cardiomyopathy 26. Last evaluated: 2025-07-27. Review status: criteria provided, single submitter. Criteria: Invitae Variant Classification Sherloc (09022015). Collection method: clinical testing. Allele origin: germline.
Comment: This sequence change replaces alanine, which is neutral and non-polar, with threonine, which is neutral and polar, at codon 661 of the FLNC protein (p.Ala661Thr). This variant is present in population databases (no rsID available, gnomAD 0.0009%). This variant has not been reported in the literature in individuals affected with FLNC-related conditions. ClinVar contains an entry for this variant (Variation ID: 1311883). Invitae Evidence Modeling of protein sequence and biophysical properties (such as structural, functional, and spatial information, amino acid conservation, physicochemical variation, residue mobility, and thermodynamic stability) has been performed for this missense variant. However, the output from this modeling did not meet the statistical confidence thresholds required to predict the impact of this variant on FLNC protein function. In summary, the available evidence is currently insufficient to determine the role of this variant in disease. Therefore, it has been classified as a Variant of Uncertain Significance.

Ambry Genetics
Classification: Uncertain significance for Cardiovascular phenotype. Last evaluated: 2022-04-21. Review status: criteria provided, single submitter. Criteria: Ambry Variant Classification Scheme 2023. Collection method: clinical testing. Allele origin: germline.
Comment: The p.A661T variant (also known as c.1981G>A), located in coding exon 12 of the FLNC gene, results from a G to A substitution at nucleotide position 1981. The alanine at codon 661 is replaced by threonine, an amino acid with similar properties. This amino acid position is conserved. In addition, the in silico prediction for this alteration is inconclusive. Since supporting evidence is limited at this time, the clinical significance of this alteration remains unclear.

GeneDx
Classification: Uncertain significance. Last evaluated: 2020-01-14. Review status: criteria provided, single submitter. Criteria: GeneDx Variant Classification Process June 2021. Collection method: clinical testing. Allele origin: germline. Affected: yes.
Comment: Has not been previously published as pathogenic or benign to our knowledge; Not observed at a significant frequency in large population cohorts (Lek et al., 2016); In silico analysis, which includes protein predictors and evolutionary conservation, supports that this variant does not alter protein structure/function

Breakthrough Genomics
Classification: Uncertain significance. Review status: criteria provided, single submitter. Criteria: ACMG Guidelines, 2015. Collection method: not provided. Allele origin: germline. Inheritance: Autosomal recessive inheritance. Affected: yes.

NM_001458.5(FLNC):c.1981G>A (p.Ala661Thr)

Gene: FLNC (filamin C; plus strand). Cytogenetic location: 7q32.1.
Variant type: single nucleotide variant.
Coding change: c.1981G>A on transcript NM_001458.5 (MANE Select); coding-DNA position 1981, G replaced by A.
Protein change: p.Ala661Thr; replaces alanine 661 with threonine.
Molecular consequence: missense variant.
Genome position (GRCh38, 1-based): chr7:128,841,337, G>A. VCF-style: chr7-128841337-G-A. GRCh37 (hg19) VCF-style: chr7-128481391-G-A.
Other names: c.1981G>A, p.Ala661Thr (NM_001127487.2); short protein forms A661T.
Identifiers: ClinVar variation 1311883 (VCV001311883.9), dbSNP rs1480694554, ClinGen allele CA369227497.
Genomic context (GRCh38, chr7:128,841,337, plus strand): 5'-CACGTCATCTGTGACGATGAGGACATCCGAGACTCACCCTTCATTGCCCACATCCTGCCC[G>A]CCCCACCTGACTGCTTCCCAGATAAGGTGTGGTCCCAGCTCACACACACCTGCCCCGGGG-3'
Protein context (NP_001449.3, residues 651-671): DSPFIAHILP[Ala661Thr]PPDCFPDKVK